The following is an entry in ClinVar:

ClinVar aggregate classification (germline): Likely benign. Review status: criteria provided, multiple submitters, no conflicts (2 of 4 stars). 2 submissions from 2 submitters: Likely benign (2). Last evaluated 2025-12-08.

Conditions:
Familial cancer of breast. Also called: BREAST CANCER, FAMILIAL; Hereditary breast cancer; hereditary breast carcinoma. Identifiers: Orphanet 227535, MedGen C0346153, MONDO:0016419, OMIM 114480. Disease mechanism: loss of function.
Ataxia-telangiectasia syndrome (AT). Also called: Ataxia-telangiectasia, complementation group D; LOUIS-BAR SYNDROME; ATAXIA-TELANGIECTASIA, COMPLEMENTATION GROUP A; ATAXIA-TELANGIECTASIA, FRESNO VARIANT; Ataxia telangiectasia (A-T); Cerebello-oculocutaneous telangiectasia. Identifiers: Orphanet 100, MedGen C0004135, MONDO:0008840, OMIM 208900.

Submissions (2):

Labcorp Genetics (formerly Invitae), Labcorp
Classification: Likely benign for Ataxia-telangiectasia syndrome. Last evaluated: 2025-12-08. Review status: criteria provided, single submitter. Criteria: Invitae Variant Classification Sherloc (09022015). Collection method: clinical testing. Allele origin: germline.

Myriad Genetics, Inc.
Classification: Likely benign for Familial cancer of breast. Last evaluated: 2024-05-15. Review status: criteria provided, single submitter. Criteria: Myriad Autosomal Dominant, Autosomal Recessive and X-Linked Classification Criteria (2023). Collection method: clinical testing. Allele origin: unknown.
Comment: This variant is considered likely benign. This variant is intronic and is not expected to impact mRNA splicing.

NM_000051.4(ATM):c.3747-19T>C

Gene: ATM (ATM serine/threonine kinase; plus strand). Cytogenetic location: 11q22.3.
Variant type: single nucleotide variant.
Coding change: c.3747-19T>C on transcript NM_000051.4 (MANE Select); 19 bases into the intron before coding-DNA position 3747, T replaced by C.
Molecular consequence: intron variant.
Genome position (GRCh38, 1-based): chr11:108,284,208, T>C. VCF-style: chr11-108284208-T-C. GRCh37 (hg19) VCF-style: chr11-108154935-T-C.
Other names: c.3747-19T>C (NM_001351834.2).
Identifiers: ClinVar variation 2765262 (VCV002765262.4), dbSNP rs2082370635, ClinGen allele CA2697556366.